The following is an entry in ClinVar:

NM_033655.5(CNTNAP3):c.3030G>C (p.Met1010Ile)

Gene: CNTNAP3 (contactin associated protein family member 3). Cytogenetic location: 9p12.
Variant type: single nucleotide variant.
Coding change: c.3030G>C on transcript NM_033655.5 (MANE Select); coding-DNA position 3030, G replaced by C.
Protein change: p.Met1010Ile; replaces methionine 1010 with isoleucine.
Molecular consequence: missense variant.
Genome position (GRCh38, 1-based): chr9:39,088,613, C>G on the plus strand (G>C on the coding strand, the complement: CNTNAP3 is on the minus strand). VCF-style: chr9-39088613-C-G. GRCh37 (hg19) VCF-style: chr9-39088610-C-G.
Other names: c.2787G>C, p.Met929Ile (NM_001393379.1); short protein forms M1010I, M929I.
Identifiers: ClinVar variation 2659200 (VCV002659200.24), dbSNP rs200186400, ClinGen allele CA5065224.
Genomic context (GRCh38, chr9:39,088,613, plus strand): 5'-TGAAGAAACGAGAGAGCTGGAGTTTTCACTTAAAGTGTAATGTTCTTGAAAATGGTATGT[C>G]ATTGAGGAGCCAGTTGCAAAATATGCGGAAATCTCTGAAATGATAAATACATTTTTGTTA-3'
Protein context (NP_387504.2, residues 1000-1020): ISAYFATGSS[Met1010Ile]TYHFQEHYTL

ClinVar aggregate classification (germline): Likely benign (1 of 4 stars; one submission).

Allele frequency attached by ClinVar (database versions not stated): 1000 Genomes Project 30x 0.00219; 1000 Genomes Project 0.00220; gnomAD 0.00250; ExAC 0.00388.

Submission:

CeGaT Center for Human Genetics Tuebingen
Classification: Likely benign. Last evaluated: 2023-02-01. Review status: criteria provided, single submitter. Criteria: CeGaT Center For Human Genetics Tuebingen Variant Classification Criteria Version 2. Collection method: clinical testing. Allele origin: germline. Affected: yes. Observed: 1 variant allele.
Comment: CNTNAP3: BP4, BS2